The following is an entry in ClinVar:

NM_015909.4(NBAS):c.4946A>C (p.Gln1649Pro)

Gene: NBAS (NBAS subunit of NRZ tethering complex; minus strand). Cytogenetic location: 2p24.3.
Variant type: single nucleotide variant.
Coding change: c.4946A>C on transcript NM_015909.4 (MANE Select); coding-DNA position 4946, A replaced by C.
Protein change: p.Gln1649Pro; replaces glutamine 1649 with proline.
Molecular consequence: missense variant. On other transcripts: non-coding transcript variant (1).
Genome position (GRCh38, 1-based): chr2:15,292,618, T>G on the plus strand (A>C on the coding strand, the complement: NBAS is on the minus strand). VCF-style: chr2-15292618-T-G. GRCh37 (hg19) VCF-style: chr2-15432742-T-G.
Other names: short protein forms Q1649P.
Identifiers: ClinVar variation 1370476 (VCV001370476.6), dbSNP rs2148112719, ClinGen allele CA345889230.

ClinVar aggregate classification (germline): Uncertain significance (1 of 4 stars; one submission).

Submission:

Labcorp Genetics (formerly Invitae), Labcorp
Classification: Uncertain significance. Last evaluated: 2022-08-23. Review status: criteria provided, single submitter. Criteria: Invitae Variant Classification Sherloc (09022015). Collection method: clinical testing. Allele origin: germline.
Comment: This variant has not been reported in the literature in individuals affected with NBAS-related conditions. In summary, the available evidence is currently insufficient to determine the role of this variant in disease. Therefore, it has been classified as a Variant of Uncertain Significance. Algorithms developed to predict the effect of missense changes on protein structure and function are either unavailable or do not agree on the potential impact of this missense change (SIFT: "Deleterious"; PolyPhen-2: "Benign"; Align-GVGD: "Class C15"). ClinVar contains an entry for this variant (Variation ID: 1370476). This variant is not present in population databases (gnomAD no frequency). This sequence change replaces glutamine, which is neutral and polar, with proline, which is neutral and non-polar, at codon 1649 of the NBAS protein (p.Gln1649Pro).